The following is an entry in ClinVar:

ClinVar aggregate classification (germline): Uncertain significance (1 of 4 stars; one submission).

gnomAD v4.1: 5 of 1,209,166 alleles (0.00041%); highest among the groups gnomAD compares: Non-Finnish European, 0.00056%; no homozygotes.

Submission:

GeneDx
Classification: Uncertain significance. Last evaluated: 2022-12-25. Review status: criteria provided, single submitter. Criteria: GeneDx Variant Classification Process June 2021. Collection method: clinical testing. Allele origin: germline. Affected: yes.
Comment: Not observed at significant frequency in large population cohorts (gnomAD); In silico analysis supports that this missense variant has a deleterious effect on protein structure/function; Has not been previously published as pathogenic or benign to our knowledge

NM_001018113.3(FANCB):c.647C>T (p.Ser216Phe)

Gene: FANCB (FA complementation group B; minus strand). Cytogenetic location: Xp22.2.
Variant type: single nucleotide variant.
Coding change: c.647C>T on transcript NM_001018113.3 (MANE Select); coding-DNA position 647, C replaced by T.
Protein change: p.Ser216Phe; replaces serine 216 with phenylalanine.
Molecular consequence: missense variant.
Genome position (GRCh38, 1-based): chrX:14,864,864, G>A on the plus strand (C>T on the coding strand, the complement: FANCB is on the minus strand). VCF-style: chrX-14864864-G-A. GRCh37 (hg19) VCF-style: chrX-14882986-G-A.
Other names: c.647C>T, p.Ser216Phe (NM_001324162.2, NM_001410764.1, NM_152633.4); short protein forms S216F.
Identifiers: ClinVar variation 2506666 (VCV002506666.1), dbSNP rs2519010653, ClinGen allele CA412444023.
Genomic context (GRCh38, chrX:14,864,864, plus strand): 5'-ACACTGCTGTAAGCAGGAGGAATAATGTATATATCACTTAATACTTCTTGACTTTCAAGA[G>A]AATATACACAAAATTTGGTATTCCAAATTGCATAATCTGATTTTGAAGGCTCTTGAGTAC-3'
Protein context (NP_001018123.1, residues 206-226): AIWNTKFCVY[Ser216Phe]LESQEVLSDI